The following is an entry in ClinVar:

NM_014402.5(UQCRQ):c.84G>T (p.Pro28=)

Genes: UQCRQ (ubiquinol-cytochrome c reductase complex III subunit VII; plus strand), LOC126807509 (BRD4-independent group 4 enhancer GRCh37_chr5:132201613-132202812; plus strand). Cytogenetic location: 5q31.1.
Variant type: single nucleotide variant.
Coding change: c.84G>T on transcript NM_014402.5 (MANE Select); coding-DNA position 84, G replaced by T.
Protein change: p.Pro28=; no amino-acid change (proline 28 retained).
Molecular consequence: synonymous variant.
Genome position (GRCh38, 1-based): chr5:132,866,965, G>T. VCF-style: chr5-132866965-G-T. GRCh37 (hg19) VCF-style: chr5-132202657-G-T.
Identifiers: ClinVar variation 3031656 (VCV003031656.2), dbSNP rs200567528, ClinGen allele CA3408441.
Genomic context (GRCh38, chr5:132,866,965, plus strand): 5'-GACGCGGATGCGGCATGTGATCAGCTACAGCTTGTCACCGTTCGAGCAGCGCGCCTATCC[G>T]CACGTCTTCACTAAAGGAATCCCCAATGTTCTGCGCCGCATTCGGGAGTCTTTCTTTCGC-3'
Protein context (NP_055217.2, residues 18-38): SLSPFEQRAY[Pro28=]HVFTKGIPNV

ClinVar aggregate classification (germline): Likely benign (0 of 4 stars; one submission).

Conditions:
UQCRQ-related disorder. Also called: UQCRQ-related condition.

Allele frequency attached by ClinVar (database versions not stated): ExAC 0.00003; 1000 Genomes Project 30x 0.00016; 1000 Genomes Project 0.00020.
gnomAD v4.1: 125 of 1,614,120 alleles (0.0077%); highest among the groups gnomAD compares: Non-Finnish European, 0.01%; no homozygotes.

Submission:

PreventionGenetics, part of Exact Sciences
Classification: Likely benign for UQCRQ-related condition. Last evaluated: 2021-02-23. Review status: no assertion criteria provided. Collection method: clinical testing. Allele origin: germline.
Comment: This variant is classified as likely benign based on ACMG/AMP sequence variant interpretation guidelines (Richards et al. 2015 PMID: 25741868, with internal and published modifications).